The following is an entry in ClinVar:

NM_004336.5(BUB1):c.1477C>G (p.Leu493Val)

Gene: BUB1 (BUB1 mitotic checkpoint serine/threonine kinase; minus strand). Cytogenetic location: 2q13.
Variant type: single nucleotide variant.
Coding change: c.1477C>G on transcript NM_004336.5 (MANE Select); coding-DNA position 1477, C replaced by G.
Protein change: p.Leu493Val; replaces leucine 493 with valine.
Molecular consequence: missense variant.
Genome position (GRCh38, 1-based): chr2:110,658,449, G>C on the plus strand (C>G on the coding strand, the complement: BUB1 is on the minus strand). VCF-style: chr2-110658449-G-C. GRCh37 (hg19) VCF-style: chr2-111416026-G-C.
Other names: c.1417C>G, p.Leu473Val (NM_001278616.2); c.1477C>G, p.Leu493Val (NM_001278617.2); short protein forms L493V, L473V.
Identifiers: ClinVar variation 1773478 (VCV001773478.2), dbSNP rs2468009684, ClinGen allele CA348212323.

ClinVar aggregate classification (germline): Uncertain significance (1 of 4 stars; one submission).

gnomAD v4.1: 5 of 1,613,968 alleles (0.00031%); highest among the groups gnomAD compares: Non-Finnish European, 0.00034%; no homozygotes.

Submission:

Ambry Genetics
Classification: Uncertain significance. Last evaluated: 2023-12-31. Review status: criteria provided, single submitter. Criteria: Ambry Variant Classification Scheme 2023. Collection method: clinical testing. Allele origin: germline.
Comment: The p.L493V variant (also known as c.1477C>G), located in coding exon 13 of the BUB1 gene, results from a C to G substitution at nucleotide position 1477. The leucine at codon 493 is replaced by valine, an amino acid with highly similar properties. This amino acid position is conserved. In addition, this alteration is predicted to be tolerated by in silico analysis. Since supporting evidence is limited at this time, the clinical significance of this alteration remains unclear.